The following is an entry in ClinVar:

ClinVar aggregate classification (germline): Uncertain significance (1 of 4 stars; one submission).

Conditions:
Pitt-Hopkins-like syndrome 2 (PTHSL2). Identifiers: Orphanet 221150, Orphanet 600663, MedGen C3280479, MONDO:0013690, OMIM 614325.

gnomAD v4.1: 1 of 1,613,168 alleles (0.000062%); highest among the groups gnomAD compares: Non-Finnish European, 0.000085%; no homozygotes.

Submission:

Labcorp Genetics (formerly Invitae), Labcorp
Classification: Uncertain significance for Pitt-Hopkins-like syndrome 2. Last evaluated: 2025-12-17. Review status: criteria provided, single submitter. Criteria: Invitae Variant Classification Sherloc (09022015). Collection method: clinical testing. Allele origin: germline.
Comment: This sequence change replaces alanine, which is neutral and non-polar, with proline, which is neutral and non-polar, at codon 779 of the NRXN1 protein (p.Ala779Pro). This variant is not present in population databases (gnomAD no frequency). This variant has not been reported in the literature in individuals affected with NRXN1-related conditions. ClinVar contains an entry for this variant (Variation ID: 2743759). An algorithm developed to predict the effect of missense changes on protein structure and function (PolyPhen-2) suggests that this variant is likely to be disruptive. In summary, the available evidence is currently insufficient to determine the role of this variant in disease. Therefore, it has been classified as a Variant of Uncertain Significance.

NM_001330078.2(NRXN1):c.2215G>C (p.Ala739Pro)

Gene: NRXN1 (neurexin 1; minus strand). Cytogenetic location: 2p16.3.
Variant type: single nucleotide variant.
Coding change: c.2215G>C on transcript NM_001330078.2 (MANE Select); coding-DNA position 2215, G replaced by C.
Protein change: p.Ala739Pro; replaces alanine 739 with proline.
Molecular consequence: missense variant.
Genome position (GRCh38, 1-based): chr2:50,531,359, C>G on the plus strand (G>C on the coding strand, the complement: NRXN1 is on the minus strand). VCF-style: chr2-50531359-C-G. GRCh37 (hg19) VCF-style: chr2-50758497-C-G.
Other names: c.2335G>C, p.Ala779Pro (NM_001135659.3); c.2191G>C, p.Ala731Pro (NM_001330077.2, NM_001330082.2, NM_001330095.2); c.2176G>C, p.Ala726Pro (NM_001330083.2, NM_001330084.2); c.2215G>C, p.Ala739Pro (NM_001330085.2, NM_001330086.2, NM_004801.6); c.2131G>C, p.Ala711Pro (NM_001330087.2, NM_001330096.2); c.2161G>C, p.Ala721Pro (NM_001330088.2); c.2212G>C, p.Ala738Pro (NM_001330093.2); c.2203G>C, p.Ala735Pro (NM_001330094.2); short protein forms A731P, A779P, A721P, A726P, A735P, A738P, A711P, A739P.
Identifiers: ClinVar variation 2743759 (VCV002743759.3), dbSNP rs938524073, ClinGen allele CA47312968.